The following is an entry in ClinVar:

ClinVar aggregate classification (germline): Pathogenic. Review status: reviewed by expert panel (3 of 4 stars). 12 submissions from 12 submitters: Pathogenic (1). 11 of the submissions do not count toward it. Last evaluated 2019-06-18.

Conditions:
Hereditary cancer-predisposing syndrome. Also called: Neoplastic Syndromes, Hereditary; Tumor predisposition; Hereditary neoplastic syndrome; Hereditary Cancer Syndrome. Identifiers: Orphanet 140162, MedGen C0027672, MeSH D009386, MONDO:0015356.
Hereditary breast ovarian cancer syndrome. Also called: BRCA1- and BRCA2-Associated Hereditary Breast and Ovarian Cancer; Hereditary breast and/or ovarian cancer syndrome; Hereditary breast and ovarian cancer syndrome; Hereditary breast and ovarian cancer syndrome (HBOC); Hereditary breast and ovarian cancer; Breast and ovarian cancer. Identifiers: Orphanet 145, MedGen C0677776, MeSH D061325, MONDO:0003582. Disease mechanism: loss of function.
Breast-ovarian cancer, familial, susceptibility to, 1 (BROVCA1). Also called: BRCA1 Hereditary Breast and Ovarian Cancer; OVARIAN CANCER, SUSCEPTIBILITY TO. Identifiers: Orphanet 145, MedGen C2676676, MONDO:0011450, OMIM 604370. Disease mechanism: loss of function.

Submissions (12):

Evidence-based Network for the Interpretation of Germline Mutant Alleles (ENIGMA)
Classification: Pathogenic for Breast-ovarian cancer, familial, susceptibility to, 1. Last evaluated: 2019-06-18. Review status: reviewed by expert panel. Criteria: ENIGMA BRCA1/2 Classification Criteria (2017-06-29). Collection method: curation. Allele origin: germline.
Comment: IARC class based on posterior probability from multifactorial likelihood analysis, thresholds for class as per Plon et al. 2008 (PMID: 18951446). Class 5 based on posterior probability = 0.993968

OLLIN Analises Genomicas, OLLIN
Classification: Pathogenic for Breast-ovarian cancer, familial, susceptibility to, 1. Last evaluated: 2026-08-06. Review status: criteria provided, single submitter. Criteria: ACMG Guidelines 2015 PMID 25741868. Collection method: clinical testing. Allele origin: germline. Inheritance: Autosomal recessive inheritance. Not counted in ClinVar's aggregate classification.
Comment: This variant, located at the canonical splicing site (splice donor), is absent from gnomAD but has been reported in ClinVar (accession VCV000037584.45) and in the scientific literature in individuals with BRCA1 related disorders (PMID: 21735045, 18951446, 15533909, 20104584, 24013928, 24797986, 25085752, 25452441, 26681312). This variant is predicted to disrupt a canonical splice site, potentially leading to exon skipping, mRNA degradation via nonsense-mediated decay (NMD), or production of a truncated protein. Functional studies suggest that this variant may affect protein function (PMID: 21735045). According to the currently available evidence, this variant has been classified as pathogenic (PVS1, PS3_P, PS4, PM2_P).

Labcorp Genetics (formerly Invitae), Labcorp
Classification: Pathogenic for Hereditary breast ovarian cancer syndrome. Last evaluated: 2025-12-17. Review status: criteria provided, single submitter. Criteria: Invitae Variant Classification Sherloc (09022015). Collection method: clinical testing. Allele origin: germline. Not counted in ClinVar's aggregate classification.
Comment: This sequence change affects a donor splice site in intron 12 of the BRCA1 gene. RNA analysis indicates that disruption of this splice site induces altered splicing and may result in an absent or altered protein product. This variant is not present in population databases (gnomAD no frequency). Disruption of this splice site has been observed in individual(s) with breast cancer (PMID: 15533909, 20104584, 24013928, 24797986, 25085752, 25452441, 26681312). This variant is also known as IVS13+1G>A. ClinVar contains an entry for this variant (Variation ID: 55178). Studies have shown that disruption of this splice site alters mRNA splicing and is expected to lead to the loss of protein expression (PMID: 21735045, 24667779; internal data). For these reasons, this variant has been classified as Pathogenic.

Ambry Genetics
Classification: Pathogenic for Hereditary cancer-predisposing syndrome. Last evaluated: 2025-11-21. Review status: criteria provided, single submitter. Criteria: Ambry Variant Classification Scheme 2023. Collection method: clinical testing. Allele origin: germline. Not counted in ClinVar's aggregate classification.
Comment: The c.4357+1G>T intronic pathogenic mutation results from a G to T substitution one nucleotide after coding exon 11 of the BRCA1 gene. This mutation has been reported in multiple individuals suspected of hereditary breast and/or ovarian cancer (Sugano K et al. Cancer Sci. 2008 Oct; 99(10):1967-76; Borg A et al. Hum. Mutat. 2010 Mar; 31(3):E1200-40; Alemar B et al. PLoS ONE 2017 Nov;12(11):e0187630). In addition, RT-PCR analysis demonstrated that this alteration results in skipping of exon 13 (coding exon 12), which would result in a frameshift and premature protein truncation (Men&eacute;ndez M et al. Breast Cancer Res. Treat. 2012 Apr;132(3):979-92). Of note, this mutation is also designated as IVS13+1G>T in published literature. In addition to the clinical data presented in the literature, alterations that disrupt the canonical splice site are expected to cause aberrant splicing, resulting in an abnormal protein or a transcript that is subject to nonsense-mediated mRNA decay. Based on the supporting evidence, this variant is interpreted as a disease-causing mutation.

Women's Health and Genetics/Laboratory Corporation of America, LabCorp
Classification: Pathogenic for Hereditary breast ovarian cancer syndrome. Last evaluated: 2025-01-13. Review status: criteria provided, single submitter. Criteria: LabCorp Variant Classification Summary - May 2015. Collection method: clinical testing. Allele origin: germline. Not counted in ClinVar's aggregate classification.
Comment: Variant summary: BRCA1 c.4357+1G>T is located in a canonical splice-site and is predicted to affect mRNA splicing resulting in a significantly altered protein due to either exon skipping, shortening, or inclusion of intronic material. Variants that disrupt the consensus splice site are a relatively common cause of aberrant splicing and loss of BRCA1 function. Several computational tools predict a significant impact on normal splicing: Four predict the variant abolishes a 5' splicing donor site. At least one publication reports experimental evidence that this variant affects mRNA splicing (Menendez_2012). The variant was absent in 251154 control chromosomes (gnomAD). c.4357+1G>T has been reported in the literature in individuals affected with Hereditary Breast And Ovarian Cancer Syndrome (e.g. Borg_2010, Lang_2017, Rajagopal_2022). These data indicate that the variant is likely to be associated with disease. The following publications have been ascertained in the context of this evaluation (PMID: 21735045, 28294317, 20104584, 35020120). ClinVar contains an entry for this variant (Variation ID: 55178). Based on the evidence outlined above, the variant was classified as pathogenic.

Color Diagnostics, LLC DBA Color Health
Classification: Pathogenic for Hereditary cancer-predisposing syndrome. Last evaluated: 2023-08-17. Review status: criteria provided, single submitter. Criteria: ACMG Guidelines, 2015. Collection method: clinical testing. Allele origin: germline. Not counted in ClinVar's aggregate classification.
Comment: This variant causes a G to T nucleotide substitution at the +1 position of intron 12 of the BRCA1 gene. This variant is also known as IVS13+1G>T based on Breast Cancer Information Core (BIC) nomenclature. RNA studies have shown that this variant causes skipping of exon 12, and is predicted to result in premature truncation of the BRCA1 protein (PMID: 21735045). This variant has been reported in individuals affected with breast cancer and in hereditary breast and ovarian cancer families (PMID: 19016756, 20104584, 21735045, 28294317, 29161300). Different variants affecting the same splice donor site, c.4357+1G>A, c.4357+1G>C, c.4357+2T>A, c.4357+2T>G, and c.4357+2T>C are known to be disease-causing (ClinVar variation ID: 37584, 55177, 1076429, 91629, 55180). This variant has not been identified in the general population by the Genome Aggregation Database (gnomAD). Loss of BRCA1 function is a known mechanism of disease. Based on the available evidence, this variant is classified as Pathogenic.

Quest Diagnostics Nichols Institute San Juan Capistrano
Classification: Pathogenic. Last evaluated: 2022-09-22. Review status: criteria provided, single submitter. Criteria: Quest Diagnostics criteria. Collection method: clinical testing. Allele origin: unknown. Not counted in ClinVar's aggregate classification.
Comment: This variant disrupts a canonical splice-donor site and interferes with normal BRCA1 mRNA splicing. This variant has not been reported in large, multi-ethnic general populations. In the published literature, the variant has been reported in affected individuals or families with breast and/or ovarian cancer (PMIDs: 15533909 (2004), 19016756 (2008), 20104584 (2010), 24797986 (2014), 25452441 (2015), 26681312 (2015), 31825140 (2019), 34413315 (2021)). A functional study found that this variant demonstrated complete skipping of exon 13 (PMID: 21735045 (2012)). Based on the available information, this variant is classified as pathogenic.

GeneDx
Classification: Pathogenic. Last evaluated: 2022-06-20. Review status: criteria provided, single submitter. Criteria: GeneDx Variant Classification Process June 2021. Collection method: clinical testing. Allele origin: germline. Affected: yes. Not counted in ClinVar's aggregate classification.
Comment: Canonical splice site variant predicted to result in a null allele in a gene for which loss of function is a known mechanism of disease; Not observed at significant frequency in large population cohorts (gnomAD); Published functional studies demonstrate a damaging effect: exon 13 skipping (Menendez 2012); Also known as c.4476+1G>T; IVS13+1G>T; This variant is associated with the following publications: (PMID: 19016756, 29161300, 20104584, 25525159, 31131967, 33151324, 31825140, 30702160, 21735045)

Mendelics
Classification: Pathogenic for Hereditary breast and ovarian cancer syndrome. Last evaluated: 2018-07-02. Review status: criteria provided, single submitter. Criteria: Mendelics Assertion Criteria 2017. Collection method: clinical testing. Allele origin: unknown. Not counted in ClinVar's aggregate classification.

Consortium of Investigators of Modifiers of BRCA1/2 (CIMBA), c/o University of Cambridge
Classification: Pathogenic for Breast-ovarian cancer, familial, susceptibility to, 1. Last evaluated: 2015-10-02. Review status: criteria provided, single submitter. Criteria: CIMBA Mutation Classification guidelines May 2016. Collection method: clinical testing. Allele origin: germline. Not counted in ClinVar's aggregate classification.

Fulgent Genetics
Classification: Pathogenic for Breast-ovarian cancer, familial, susceptibility to, 1. Last evaluated: 2015-08-27. Review status: criteria provided, single submitter. Criteria: ACMG Guidelines, 2015. Collection method: clinical testing. Allele origin: unknown. Inheritance: Autosomal dominant inheritance. Not counted in ClinVar's aggregate classification.

Breast Cancer Information Core (BIC) (BRCA1)
Classification: Pathogenic for Breast-ovarian cancer, familial 1. Last evaluated: 1999-06-22. Review status: no assertion criteria provided. Collection method: clinical testing. Allele origin: germline. Affected: yes. Observed: 2 variant alleles. Not counted in ClinVar's aggregate classification.

Literature cited by the submitters: PubMed 31131967 (cited by Evidence-based Network for the Interpretation of Germline Mutant Alleles (ENIGMA) and Quest Diagnostics Nichols Institute San Juan Capistrano); PubMed 21735045 (cited by 6 submitters); PubMed 18951446 (cited by OLLIN Analises Genomicas, OLLIN); PubMed 15533909 (cited by 3 submitters); PubMed 20104584 (cited by 6 submitters); PubMed 24013928 (cited by OLLIN Analises Genomicas, OLLIN and Labcorp Genetics (formerly Invitae), Labcorp); PubMed 24797986 (cited by 3 submitters); PubMed 25085752 (cited by 3 submitters); PubMed 25452441 (cited by 3 submitters); PubMed 26681312 (cited by 3 submitters); PubMed 24667779 (cited by Labcorp Genetics (formerly Invitae), Labcorp); PubMed 19016756 (cited by 3 submitters); PubMed 25525159 (cited by Ambry Genetics); PubMed 28294317 (cited by Women's Health and Genetics/Laboratory Corporation of America, LabCorp and Color Diagnostics, LLC DBA Color Health); PubMed 35020120 (cited by Women's Health and Genetics/Laboratory Corporation of America, LabCorp); PubMed 29161300 (cited by Color Diagnostics, LLC DBA Color Health); PubMed 34413315 (cited by Quest Diagnostics Nichols Institute San Juan Capistrano); PubMed 31825140 (cited by Quest Diagnostics Nichols Institute San Juan Capistrano).

NM_007294.4(BRCA1):c.4357+1G>T

Gene: BRCA1 (BRCA1 DNA repair associated; minus strand). Cytogenetic location: 17q21.31.
Variant type: single nucleotide variant.
Coding change: c.4357+1G>T on transcript NM_007294.4 (MANE Select); the canonical splice donor site of the intron after coding-DNA position 4357, G replaced by T.
Molecular consequence: splice donor variant.
Genome position (GRCh38, 1-based): chr17:43,082,403, C>A on the plus strand (G>T on the coding strand, the complement: BRCA1 is on the minus strand). VCF-style: chr17-43082403-C-A. GRCh37 (hg19) VCF-style: chr17-41234420-C-A.
Other names: IVS13+1G>T; c.784+1G>T (NM_001408496.1, NM_001408500.1, NM_001408497.1 and 3 more transcripts); c.4093+1G>T (NM_001407929.1, NM_001407924.1, NM_001407921.1 and 7 more transcripts); c.907+1G>T (NM_001408460.1, NM_001408454.1, NM_001408459.1 and 8 more transcripts); c.4213+1G>T (NM_001407852.1, NM_001407750.1, NM_001407846.1 and 23 more transcripts); c.4216+1G>T (NM_001407732.1, NM_001407698.1, NM_001407945.1 and 23 more transcripts); c.967+1G>T (NM_001408413.1, NM_001408416.1); c.4273+1G>T (NM_001407660.1, NM_001407659.1); and 52 more.
Identifiers: ClinVar variation 55178 (VCV000055178.26), dbSNP rs80358027, ClinGen allele CA002790.